The following is an entry in ClinVar:

ClinVar aggregate classification (germline): Uncertain significance. Review status: criteria provided, multiple submitters, no conflicts (2 of 4 stars). 4 submissions from 4 submitters: Uncertain significance (4). Last evaluated 2026-07-20.

Conditions:
COL2A1-related disorder. Also called: COL2A1-related condition; COL2A1-related disorders.
Stickler syndrome type 1 (STL1). Also called: ARTHROOPHTHALMOPATHY, HEREDITARY PROGRESSIVE; STICKLER SYNDROME, MEMBRANOUS VITREOUS TYPE; STICKLER SYNDROME, VITREOUS TYPE 1; COL2A1-Related Stickler Syndrome. Identifiers: Orphanet 828, Orphanet 90653, MedGen C2020284, MONDO:0007160, OMIM 108300.

Allele frequency attached by ClinVar (database versions not stated): gnomAD 0.00001; gnomAD exomes 0.00001; TOPMed 0.00001.
gnomAD v4.1: 9 of 1,613,584 alleles (0.00056%); highest among the groups gnomAD compares: Middle Eastern, 0.016%; no homozygotes.

Submissions (4):

PreventionGenetics, part of Exact Sciences
Classification: Uncertain significance for COL2A1-related condition. Last evaluated: 2026-07-20. Review status: criteria provided, single submitter. Criteria: ACMG Guidelines, 2015. Collection method: clinical testing. Allele origin: germline.
Comment: The COL2A1 c.3026C>T variant is predicted to result in the amino acid substitution p.Ala1009Val. To our knowledge, this variant has not been reported in the literature or in a large population database (gnomAD), indicating this variant is rare. At this time, the clinical significance of this variant is uncertain due to the absence of conclusive functional and genetic evidence.

Labcorp Genetics (formerly Invitae), Labcorp
Classification: Uncertain significance. Last evaluated: 2025-12-13. Review status: criteria provided, single submitter. Criteria: Invitae Variant Classification Sherloc (09022015). Collection method: clinical testing. Allele origin: germline.
Comment: This sequence change replaces alanine, which is neutral and non-polar, with valine, which is neutral and non-polar, at codon 1009 of the COL2A1 protein (p.Ala1009Val). This variant is present in population databases (no rsID available, gnomAD no frequency). This variant has not been reported in the literature in individuals affected with COL2A1-related conditions. ClinVar contains an entry for this variant (Variation ID: 1445567). Invitae Evidence Modeling of protein sequence and biophysical properties (such as structural, functional, and spatial information, amino acid conservation, physicochemical variation, residue mobility, and thermodynamic stability) indicates that this missense variant is not expected to disrupt COL2A1 protein function with a negative predictive value of 95%. In summary, the available evidence is currently insufficient to determine the role of this variant in disease. Therefore, it has been classified as a Variant of Uncertain Significance.

Genomic Medicine Center of Excellence, King Faisal Specialist Hospital and Research Centre
Classification: Uncertain significance for Stickler syndrome type 1. Last evaluated: 2025-09-10. Review status: criteria provided, single submitter. Criteria: ACMG Guidelines, 2015. Collection method: clinical testing. Allele origin: germline.

Blueprint Genetics
Classification: Uncertain significance. Last evaluated: 2018-10-16. Review status: criteria provided, single submitter. Criteria: ACMG Guidelines, 2015. Collection method: clinical testing. Allele origin: germline.

NM_001844.5(COL2A1):c.3026C>T (p.Ala1009Val)

Gene: COL2A1 (collagen type II alpha 1 chain; minus strand). Cytogenetic location: 12q13.11.
Variant type: single nucleotide variant.
Coding change: c.3026C>T on transcript NM_001844.5 (MANE Select); coding-DNA position 3026, C replaced by T.
Protein change: p.Ala1009Val; replaces alanine 1009 with valine.
Molecular consequence: missense variant.
Genome position (GRCh38, 1-based): chr12:47,978,095, G>A on the plus strand (C>T on the coding strand, the complement: COL2A1 is on the minus strand). VCF-style: chr12-47978095-G-A. GRCh37 (hg19) VCF-style: chr12-48371878-G-A.
Other names: c.2819C>T, p.Ala940Val (NM_033150.3); c.3026C>T (NM_001844.4); short protein forms A1009V, A940V.
Identifiers: ClinVar variation 1445567 (VCV001445567.11), dbSNP rs1315629927, ClinGen allele CA384540910.